The following is an entry in ClinVar:

ClinVar aggregate classification (germline): Uncertain significance (1 of 4 stars; one submission).

Allele frequency attached by ClinVar (database versions not stated): TOPMed 0.00007; gnomAD 0.00010; gnomAD exomes 0.00013; ExAC 0.00038.
gnomAD v4.1: 201 of 1,593,124 alleles (0.013%); highest among the groups gnomAD compares: Non-Finnish European, 0.016%; no homozygotes.

Submission:

Labcorp Genetics (formerly Invitae), Labcorp
Classification: Uncertain significance. Last evaluated: 2022-06-20. Review status: criteria provided, single submitter. Criteria: Invitae Variant Classification Sherloc (09022015). Collection method: clinical testing. Allele origin: germline.
Comment: In summary, the available evidence is currently insufficient to determine the role of this variant in disease. Therefore, it has been classified as a Variant of Uncertain Significance. Variants that disrupt the consensus splice site are a relatively common cause of aberrant splicing (PMID: 17576681, 9536098). Algorithms developed to predict the effect of sequence changes on RNA splicing suggest that this variant is not likely to affect RNA splicing. This variant has not been reported in the literature in individuals affected with NUP205-related conditions. This variant is present in population databases (rs201056558, gnomAD 0.04%). This sequence change falls in intron 14 of the NUP205 gene. It does not directly change the encoded amino acid sequence of the NUP205 protein. It affects a nucleotide within the consensus splice site.

Literature cited by the submitters: PubMed 17576681; PubMed 9536098.

NM_015135.3(NUP205):c.2064+6G>A

Gene: NUP205 (nucleoporin 205; plus strand). Cytogenetic location: 7q33.
Variant type: single nucleotide variant.
Coding change: c.2064+6G>A on transcript NM_015135.3 (MANE Select); 6 bases into the intron after coding-DNA position 2064, G replaced by A.
Molecular consequence: intron variant.
Genome position (GRCh38, 1-based): chr7:135,597,424, G>A. VCF-style: chr7-135597424-G-A. GRCh37 (hg19) VCF-style: chr7-135282172-G-A.
Other names: c.990+6G>A (NM_001329434.2).
Identifiers: ClinVar variation 2073091 (VCV002073091.2), dbSNP rs201056558, ClinGen allele CA4498252.